The following is an entry in ClinVar:

NM_004415.4(DSP):c.2511G>C (p.Gln837His)

Gene: DSP (desmoplakin; plus strand). Cytogenetic location: 6p24.3.
Variant type: single nucleotide variant.
Coding change: c.2511G>C on transcript NM_004415.4 (MANE Select); coding-DNA position 2511, G replaced by C.
Protein change: p.Gln837His; replaces glutamine 837 with histidine.
Molecular consequence: missense variant.
Genome position (GRCh38, 1-based): chr6:7,575,369, G>C. VCF-style: chr6-7575369-G-C. GRCh37 (hg19) VCF-style: chr6-7575602-G-C.
Other names: c.2511G>C, p.Gln837His (NM_001008844.3, NM_001319034.2); short protein forms Q837H.
Identifiers: ClinVar variation 1383320 (VCV001383320.8), dbSNP rs2113685122, ClinGen allele CA362681503.

ClinVar aggregate classification (germline): Uncertain significance (1 of 4 stars; one submission).

Conditions:
Arrhythmogenic cardiomyopathy with wooly hair and keratoderma. Also called: Dilated cardiomyopathy with woolly hair and keratoderma; Arrhythmogenic cardiomyopathy with woolly hair and keratoderma; PALMOPLANTAR KERATODERMA WITH LEFT VENTRICULAR CARDIOMYOPATHY AND WOOLLY HAIR; Carvajal syndrome. Identifiers: Orphanet 65282, MedGen C1854063, MONDO:0011581, OMIM 605676.
Arrhythmogenic right ventricular dysplasia 8 (ARVD8). Also called: ARRHYTHMOGENIC RIGHT VENTRICULAR DYSPLASIA, FAMILIAL, 8; Arrhythmogenic Right Ventricular Dysplasia/Cardiomyopathy 8; ARRHYTHMOGENIC RIGHT VENTRICULAR CARDIOMYOPATHY 8. Identifiers: MedGen C1843896, MONDO:0011831, OMIM 607450.

Submission:

Labcorp Genetics (formerly Invitae), Labcorp
Classification: Uncertain significance for Arrhythmogenic cardiomyopathy with wooly hair and keratoderma; Arrhythmogenic right ventricular dysplasia 8. Last evaluated: 2022-08-16. Review status: criteria provided, single submitter. Criteria: Invitae Variant Classification Sherloc (09022015). Collection method: clinical testing. Allele origin: germline.
Comment: In summary, the available evidence is currently insufficient to determine the role of this variant in disease. Therefore, it has been classified as a Variant of Uncertain Significance. Algorithms developed to predict the effect of missense changes on protein structure and function are either unavailable or do not agree on the potential impact of this missense change (SIFT: "Tolerated"; PolyPhen-2: "Probably Damaging"; Align-GVGD: "Class C0"). ClinVar contains an entry for this variant (Variation ID: 1383320). This variant has not been reported in the literature in individuals affected with DSP-related conditions. This variant is not present in population databases (gnomAD no frequency). This sequence change replaces glutamine, which is neutral and polar, with histidine, which is basic and polar, at codon 837 of the DSP protein (p.Gln837His).